The following is an entry in ClinVar:

NM_015041.3(CLUAP1):c.928+6G>A

Gene: CLUAP1 (clusterin associated protein 1; plus strand). Cytogenetic location: 16p13.3.
Variant type: single nucleotide variant.
Coding change: c.928+6G>A on transcript NM_015041.3 (MANE Select); 6 bases into the intron after coding-DNA position 928, G replaced by A.
Molecular consequence: intron variant.
Genome position (GRCh38, 1-based): chr16:3,526,490, G>A. VCF-style: chr16-3526490-G-A. GRCh37 (hg19) VCF-style: chr16-3576490-G-A.
Other names: c.928+6G>A (NM_001330454.2); c.430+6G>A (NM_024793.3).
Identifiers: ClinVar variation 2041643 (VCV002041643.4), dbSNP rs758175083, ClinGen allele CA7863895.

ClinVar aggregate classification (germline): Uncertain significance (1 of 4 stars; one submission).

Allele frequency attached by ClinVar (database versions not stated): gnomAD exomes below 0.00001; ExAC 0.00001.

Submission:

Labcorp Genetics (formerly Invitae), Labcorp
Classification: Uncertain significance. Last evaluated: 2022-06-24. Review status: criteria provided, single submitter. Criteria: Invitae Variant Classification Sherloc (09022015). Collection method: clinical testing. Allele origin: germline.
Comment: Variants that disrupt the consensus splice site are a relatively common cause of aberrant splicing (PMID: 17576681, 9536098). Algorithms developed to predict the effect of sequence changes on RNA splicing suggest that this variant is not likely to affect RNA splicing. This variant has not been reported in the literature in individuals affected with CLUAP1-related conditions. This variant is present in population databases (rs758175083, gnomAD 0.007%). This sequence change falls in intron 9 of the CLUAP1 gene. It does not directly change the encoded amino acid sequence of the CLUAP1 protein. It affects a nucleotide within the consensus splice site. In summary, the available evidence is currently insufficient to determine the role of this variant in disease. Therefore, it has been classified as a Variant of Uncertain Significance.

Literature cited by the submitters: PubMed 17576681; PubMed 9536098.